The following is an entry in ClinVar:

ClinVar aggregate classification (germline): Uncertain significance (1 of 4 stars; one submission).

Allele frequency attached by ClinVar (database versions not stated): gnomAD exomes below 0.00001; TOPMed 0.00001; ExAC 0.00002.
gnomAD v4.1: 4 of 1,614,146 alleles (0.00025%); highest among the groups gnomAD compares: South Asian, 0.0011%; no homozygotes.

Submission:

Labcorp Genetics (formerly Invitae), Labcorp
Classification: Uncertain significance. Last evaluated: 2023-07-07. Review status: criteria provided, single submitter. Criteria: Invitae Variant Classification Sherloc (09022015). Collection method: clinical testing. Allele origin: germline.
Comment: This sequence change replaces glycine, which is neutral and non-polar, with arginine, which is basic and polar, at codon 235 of the UPB1 protein (p.Gly235Arg). In summary, the available evidence is currently insufficient to determine the role of this variant in disease. Therefore, it has been classified as a Variant of Uncertain Significance. Experimental studies have shown that this missense change affects UPB1 function (PMID: 22525402). Advanced modeling of protein sequence and biophysical properties (such as structural, functional, and spatial information, amino acid conservation, physicochemical variation, residue mobility, and thermodynamic stability) performed at Invitae indicates that this missense variant is expected to disrupt UPB1 protein function. ClinVar contains an entry for this variant (Variation ID: 2138422). This missense change has been observed in individual(s) with beta-ureidopropionase deficiency and/or clinical features of UPB1-related conditions (PMID: 22525402, 35926322). This variant is present in population databases (rs766196011, gnomAD 0.002%).

Literature cited by the submitters: PubMed 22525402; PubMed 35926322.

NM_016327.3(UPB1):c.703G>A (p.Gly235Arg)

Gene: UPB1 (beta-ureidopropionase 1; plus strand). Cytogenetic location: 22q11.23.
Variant type: single nucleotide variant.
Coding change: c.703G>A on transcript NM_016327.3 (MANE Select); coding-DNA position 703, G replaced by A.
Protein change: p.Gly235Arg; replaces glycine 235 with arginine.
Molecular consequence: missense variant.
Genome position (GRCh38, 1-based): chr22:24,515,282, G>A. VCF-style: chr22-24515282-G-A. GRCh37 (hg19) VCF-style: chr22-24911250-G-A.
Other names: short protein forms G235R.
Identifiers: ClinVar variation 2138422 (VCV002138422.4), dbSNP rs766196011, ClinGen allele CA10153310.